The following is an entry in ClinVar:

ClinVar aggregate classification (germline): Uncertain significance (1 of 4 stars; one submission).

Conditions:
Combined deficiency of sialidase AND beta galactosidase (GSL). Also called: Galactosialidosis; CATHEPSIN A DEFICIENCY; GOLDBERG SYNDROME; NEURAMINIDASE DEFICIENCY WITH BETA-GALACTOSIDASE DEFICIENCY; NEURAMINIDASE/BETA-GALACTOSIDASE EXPRESSION; PPCA DEFICIENCY. Identifiers: Orphanet 351, MedGen C0268233, MONDO:0009737, OMIM 256540.

Submission:

Labcorp Genetics (formerly Invitae), Labcorp
Classification: Uncertain significance for Combined deficiency of sialidase AND beta galactosidase. Last evaluated: 2021-12-08. Review status: criteria provided, single submitter. Criteria: Invitae Variant Classification Sherloc (09022015). Collection method: clinical testing. Allele origin: germline.
Comment: This sequence change replaces alanine, which is neutral and non-polar, with proline, which is neutral and non-polar, at codon 148 of the CTSA protein (p.Ala148Pro). This variant is not present in population databases (gnomAD no frequency). This variant has not been reported in the literature in individuals affected with CTSA-related conditions. Algorithms developed to predict the effect of missense changes on protein structure and function are either unavailable or do not agree on the potential impact of this missense change (SIFT: "Not Available"; PolyPhen-2: "Possibly Damaging"; Align-GVGD: "Not Available"). In summary, the available evidence is currently insufficient to determine the role of this variant in disease. Therefore, it has been classified as a Variant of Uncertain Significance.

NM_000308.4(CTSA):c.388G>C (p.Ala130Pro)

Gene: CTSA (cathepsin A; plus strand). Cytogenetic location: 20q13.12.
Variant type: single nucleotide variant.
Coding change: c.388G>C on transcript NM_000308.4 (MANE Select); coding-DNA position 388, G replaced by C.
Protein change: p.Ala130Pro; replaces alanine 130 with proline.
Molecular consequence: missense variant. On other transcripts: non-coding transcript variant (1).
Genome position (GRCh38, 1-based): chr20:45,892,428, G>C. VCF-style: chr20-45892428-G-C. GRCh37 (hg19) VCF-style: chr20-44521067-G-C.
Other names: c.388G>C, p.Ala130Pro (NM_001127695.3); c.337G>C, p.Ala113Pro (NM_001167594.3); short protein forms A130P, A113P.
Identifiers: ClinVar variation 1355323 (VCV001355323.6), dbSNP rs376642070, ClinGen allele CA409248914.